The following is an entry in ClinVar:

NM_001164508.2(NEB):c.7549_7551del (p.Met2517del)

Gene: NEB (nebulin; minus strand). Cytogenetic location: 2q23.3.
Variant type: Deletion.
Coding change: c.7549_7551del on transcript NM_001164508.2 (MANE Select); coding-DNA positions 7549 to 7551, 3 bases deleted (ATG; older notation c.7549_7551delATG).
Protein change: p.Met2517del; deletes methionine 2517.
Molecular consequence: inframe deletion.
Genome position (GRCh38, 1-based): chr2:151,644,561-151,644,563, CAT deleted on the plus strand (ATG on the coding strand, the reverse complement: NEB is on the minus strand). VCF-style (leftmost placement, unchanged base first): chr2-151644560-CCAT-C. GRCh37 (hg19) VCF-style: chr2-152501074-CCAT-C.
Other names: c.7549_7551del, p.Met2517del (NM_001164507.2, NM_001271208.2, NM_004543.5); short protein forms M2517del.
Identifiers: ClinVar variation 552044 (VCV000552044.6), dbSNP rs1553985641, ClinGen allele CA658821415.

ClinVar aggregate classification (germline): Uncertain significance. Review status: criteria provided, single submitter (1 of 4 stars). 2 submissions from 2 submitters: Uncertain significance (1). 1 of the submissions does not count toward it. Last evaluated 2022-07-25.

Conditions:
Nemaline myopathy 2 (NEM2). Also called: Nemaline myopathy 2, autosomal recessive. Identifiers: MedGen C1850569, MONDO:0009725, OMIM 256030.

Allele frequency attached by ClinVar (database versions not stated): gnomAD exomes below 0.00001.

Submissions (2):

Labcorp Genetics (formerly Invitae), Labcorp
Classification: Uncertain significance for Nemaline myopathy 2. Last evaluated: 2022-07-25. Review status: criteria provided, single submitter. Criteria: Invitae Variant Classification Sherloc (09022015). Collection method: clinical testing. Allele origin: germline.
Comment: In summary, the available evidence is currently insufficient to determine the role of this variant in disease. Therefore, it has been classified as a Variant of Uncertain Significance. Experimental studies and prediction algorithms are not available or were not evaluated, and the functional significance of this variant is currently unknown. ClinVar contains an entry for this variant (Variation ID: 552044). This variant has not been reported in the literature in individuals affected with NEB-related conditions. This variant is not present in population databases (gnomAD no frequency). This variant, c.7549_7551del, results in the deletion of 1 amino acid(s) of the NEB protein (p.Met2517del), but otherwise preserves the integrity of the reading frame.

Counsyl
Classification: Uncertain significance for Nemaline myopathy 2. Last evaluated: 2017-05-19. Review status: no assertion criteria provided. Collection method: clinical testing. Allele origin: unknown. Not counted in ClinVar's aggregate classification.